The following is an entry in ClinVar:

NM_001323289.2(CDKL5):c.1961C>T (p.Pro654Leu)

Gene: CDKL5 (cyclin dependent kinase like 5; plus strand). Cytogenetic location: Xp22.13.
Variant type: single nucleotide variant.
Coding change: c.1961C>T on transcript NM_001323289.2 (MANE Select); coding-DNA position 1961, C replaced by T.
Protein change: p.Pro654Leu; replaces proline 654 with leucine.
Molecular consequence: missense variant.
Genome position (GRCh38, 1-based): chrX:18,608,827, C>T. VCF-style: chrX-18608827-C-T. GRCh37 (hg19) VCF-style: chrX-18626947-C-T.
Other names: c.1961C>T, p.Pro654Leu (NM_001037343.2, NM_003159.3); short protein forms P654L.
Identifiers: ClinVar variation 3254616 (VCV003254616.1), dbSNP rs1401277625.

ClinVar aggregate classification (germline): Uncertain significance (1 of 4 stars; one submission).

Conditions:
Developmental and epileptic encephalopathy, 2 (DEE2). Also called: INFANTILE SPASM SYNDROME, X-LINKED 2; CDKL5 deficiency disorder. Identifiers: Orphanet 1934, Orphanet 3451, Orphanet 505652, MedGen C4750718, MONDO:0010396, OMIM 300672.

Allele frequency attached by ClinVar (database versions not stated): gnomAD exomes below 0.00001; TOPMed 0.00001.
gnomAD v4.1: 4 of 1,205,180 alleles (0.00033%); highest among the groups gnomAD compares: Non-Finnish European, 0.00045%; no homozygotes.

Submission:

Victorian Clinical Genetics Services, Murdoch Childrens Research Institute
Classification: Uncertain significance for Developmental and epileptic encephalopathy, 2. Last evaluated: 2023-07-16. Review status: criteria provided, single submitter. Criteria: ACMG Guidelines, 2015. Collection method: clinical testing. Allele origin: germline. Inheritance: X-linked dominant inheritance. Affected: yes.
Comment: Based on the classification scheme VCGS_Germline_v1.3.4, this variant is classified as VUS-3B. Following criteria are met: 0102 - Loss of function is a known mechanism of disease in this gene and is associated with developmental and epileptic encephalopathy 2 (MIM#300672). (I) 0110 - This gene is associated with X-linked dominant disease. (I) 0115 - Variants in this gene are known to have variable expressivity. Variable expressivity is reported to be dependent on the variant type and position, X-chromosome inactivation in females or post-zygotic mosaicism in males (PMID: 33989939). (I) 0200 - Variant is predicted to result in a missense amino acid change from proline to leucine. (I) 0253 - This variant is hemizygous. (I) 0301 - Variant is absent from gnomAD (both v2 and v3). (SP) 0502 - Missense variant with conflicting in silico predictions and uninformative conservation. (I) 0604 - Variant is not located in an established domain, motif, hotspot or informative constraint region. (I) 0705 - No comparable missense variants have previous evidence for pathogenicity. (I) 0807 - This variant has no previous evidence of pathogenicity. (I) 0905 - No published segregation evidence has been identified for this variant. (I) 1007 - No published functional evidence has been identified for this variant. (I) 1208 - Inheritance information for this variant is not currently available in this individual. (I) Legend: (SP) - Supporting pathogenic, (I) - Information, (SB) - Supporting benign

Literature cited by the submitters: PubMed 33989939.